The following is an entry in ClinVar:

NM_001048174.2(MUTYH):c.1156C>G (p.Gln386Glu)

Gene: MUTYH (mutY DNA glycosylase; minus strand). Cytogenetic location: 1p34.1.
Variant type: single nucleotide variant.
Coding change: c.1156C>G on transcript NM_001048174.2 (MANE Select); coding-DNA position 1156, C replaced by G.
Protein change: p.Gln386Glu; replaces glutamine 386 with glutamic acid.
Molecular consequence: missense variant. On other transcripts: non-coding transcript variant (7).
Genome position (GRCh38, 1-based): chr1:45,331,503, G>C on the plus strand (C>G on the coding strand, the complement: MUTYH is on the minus strand). VCF-style: chr1-45331503-G-C. GRCh37 (hg19) VCF-style: chr1-45797175-G-C.
Other names: c.1156C>G, p.Gln386Glu (NM_001048171.2, NM_001048173.2, NM_001293195.2 and 6 more transcripts); c.1159C>G, p.Gln387Glu (NM_001048172.2, NM_001407071.1, NM_001407078.1 and 1 more transcripts); c.1240C>G, p.Gln414Glu (NM_001128425.2); c.1201C>G, p.Gln401Glu (NM_001293190.2); c.1189C>G, p.Gln397Glu (NM_001293191.2, NM_001407069.1, NM_001407077.1); c.880C>G, p.Gln294Glu (NM_001293192.2, NM_001293196.2, NM_001407091.1); c.811C>G, p.Gln271Glu (NM_001350650.2, NM_001350651.2, NM_001407082.1); c.1072C>G, p.Gln358Glu (NM_001407075.1); and 5 more; short protein forms Q294E, Q358E, Q373E, Q411E, Q386E, Q393E, Q400E, Q372E.
Identifiers: ClinVar variation 4113123 (VCV004113123.1).

ClinVar aggregate classification (germline): Uncertain significance (1 of 4 stars; one submission).

Conditions:
Hereditary cancer-predisposing syndrome. Also called: Tumor predisposition; Neoplastic Syndromes, Hereditary; Hereditary neoplastic syndrome; Hereditary Cancer Syndrome. Identifiers: Orphanet 140162, MedGen C0027672, MeSH D009386, MONDO:0015356.

Submission:

Ambry Genetics
Classification: Uncertain significance for Hereditary cancer-predisposing syndrome. Last evaluated: 2025-08-27. Review status: criteria provided, single submitter. Criteria: Ambry Variant Classification Scheme 2023. Collection method: clinical testing. Allele origin: germline.
Comment: The p.Q414E variant (also known as c.1240C>G), located in coding exon 13 of the MUTYH gene, results from a C to G substitution at nucleotide position 1240. The glutamine at codon 414 is replaced by glutamic acid, an amino acid with highly similar properties. This amino acid position is conserved. In addition, this alteration is predicted to be tolerated by in silico analysis. Based on the available evidence, the clinical significance of this variant remains unclear.